The following is an entry in ClinVar:

ClinVar aggregate classification (germline): Uncertain significance (1 of 4 stars; one submission).

Submission:

Labcorp Genetics (formerly Invitae), Labcorp
Classification: Uncertain significance. Last evaluated: 2025-09-24. Review status: criteria provided, single submitter. Criteria: Invitae Variant Classification Sherloc (09022015). Collection method: clinical testing. Allele origin: germline.
Comment: This variant, c.843_845del, results in the deletion of 1 amino acid(s) of the MKL1 protein (p.Gln281del), but otherwise preserves the integrity of the reading frame. The frequency data for this variant in the population databases is considered unreliable, as metrics indicate poor data quality at this position in the gnomAD database. This variant has not been reported in the literature in individuals affected with MKL1-related conditions. Experimental studies and prediction algorithms are not available or were not evaluated, and the functional significance of this variant is currently unknown. In summary, the available evidence is currently insufficient to determine the role of this variant in disease. Therefore, it has been classified as a Variant of Uncertain Significance.

NM_020831.6(MRTFA):c.1131GCA[4] (p.Gln381del)

Gene: MRTFA (myocardin related transcription factor A; minus strand). Cytogenetic location: 22q13.1.
Variant type: Microsatellite.
Coding change: c.1131GCA[4] on transcript NM_020831.6 (MANE Select); four copies in a row of the 3-base unit GCA starting at c.1131; the reference has five copies in a row; one copy, 3 bases deleted.
Protein change: p.Gln381del; deletes glutamine 381.
Molecular consequence: inframe deletion.
Genome position (GRCh38, 1-based): chr22:40,420,883-40,420,885, TGC deleted on the plus strand (GCA on the coding strand, the reverse complement: MRTFA is on the minus strand); deleting any 3 consecutive bases within chr22:40,420,883-40,420,899 gives the same sequence; the position shown is the placement nearest the transcript's 3' end. VCF-style (leftmost placement, unchanged base first): chr22-40420882-GTGC-G. GRCh37 (hg19) VCF-style: chr22-40816886-GTGC-G.
Other names: c.831GCA[4], p.Gln281del (NM_001282660.2); c.981GCA[4], p.Gln331del (NM_001282661.3); c.1131GCA[4], p.Gln381del (NM_001282662.3); c.936GCA[4], p.Gln316del (NM_001318139.2); short protein forms Q281del, Q316del, Q331del, Q381del.
Identifiers: ClinVar variation 1683120 (VCV001683120.8), dbSNP rs751939334, ClinGen allele CA10249787.
Genomic context (GRCh38, chr22:40,420,882, plus strand): 5'-CAGGCAGTGAGGAGCGGGTGCCTACTTTGGCGGGGCAGGCAGGATGGCCTGGTAGTTGTG[GTGC>G]TGCTGCTGCTGCTGGTTGAGGATCTGCAGCTGGAGGAAGAGCTGCTGCTGCTGCAGGATC-3'